The following is an entry in ClinVar:

NM_025081.3(NYNRIN):c.4970C>T (p.Thr1657Met)

Gene: NYNRIN (NYN domain and retroviral integrase containing; plus strand). Cytogenetic location: 14q12.
Variant type: single nucleotide variant.
Coding change: c.4970C>T on transcript NM_025081.3 (MANE Select); coding-DNA position 4970, C replaced by T.
Protein change: p.Thr1657Met; replaces threonine 1657 with methionine.
Molecular consequence: missense variant.
Genome position (GRCh38, 1-based): chr14:24,416,719, C>T. VCF-style: chr14-24416719-C-T. GRCh37 (hg19) VCF-style: chr14-24885925-C-T.
Other names: short protein forms T1657M.
Identifiers: ClinVar variation 3671379 (VCV003671379.2).

ClinVar aggregate classification (germline): Uncertain significance (1 of 4 stars; one submission).

Submission:

Labcorp Genetics (formerly Invitae), Labcorp
Classification: Uncertain significance. Last evaluated: 2024-07-18. Review status: criteria provided, single submitter. Criteria: Invitae Variant Classification Sherloc (09022015). Collection method: clinical testing. Allele origin: germline.
Comment: This sequence change replaces threonine, which is neutral and polar, with methionine, which is neutral and non-polar, at codon 1657 of the NYNRIN protein (p.Thr1657Met). This variant is present in population databases (rs201409522, gnomAD 0.03%). This variant has not been reported in the literature in individuals affected with NYNRIN-related conditions. Experimental studies and prediction algorithms are not available or were not evaluated, and the functional significance of this variant is currently unknown. In summary, the available evidence is currently insufficient to determine the role of this variant in disease. Therefore, it has been classified as a Variant of Uncertain Significance.